The following is an entry in ClinVar:

NM_000465.4(BARD1):c.1053_1054inv (p.Val352Leu)

Gene: BARD1 (BRCA1 associated RING domain 1; minus strand). Cytogenetic location: 2q35.
Variant type: Inversion.
Coding change: c.1053_1054inv on transcript NM_000465.4 (MANE Select).
Protein change: p.Val352Leu; replaces valine 352 with leucine.
Molecular consequence: missense variant. On other transcripts: non-coding transcript variant (2), intron variant (3).
Genome position: GRCh38 VCF-style: chr2-214780820-CC-GG. GRCh37 (hg19) VCF-style: chr2-215645544-CC-GG.
Other names: c.996_997inv, p.Val333Leu (NM_001282543.2); c.159-28266_159-28265inv (NM_001282548.2); c.215+16240_215+16241inv (NM_001282545.2); c.364+11476_364+11477inv (NM_001282549.2); short protein forms V333L, V352L.
Identifiers: ClinVar variation 2752678 (VCV002752678.3), ClinGen allele CA2697550340.
Genomic context (GRCh38, chr2:214,780,820, plus strand): 5'-CTTTACGTTTGCATGAAGGTGGTGAAGAACATTCAGGCAATGGTATATTTTCTGAGGGCA[CC>GG]GTTTGCTTAACAAAATCTCCACTGGTGCTCAGAATGCTGGTTCTACATCTCTTAGAAATG-3'
Protein context (NP_000456.2, residues 342-362): STSGDFVKQT[Val352Leu]PSENIPLPEC

ClinVar aggregate classification (germline): Uncertain significance (1 of 4 stars; one submission).

Conditions:
Familial cancer of breast. Also called: BREAST CANCER, FAMILIAL; hereditary breast carcinoma; Hereditary breast cancer. Identifiers: Orphanet 227535, MedGen C0346153, MONDO:0016419, OMIM 114480. Disease mechanism: loss of function.

Submission:

Labcorp Genetics (formerly Invitae), Labcorp
Classification: Uncertain significance for Familial cancer of breast. Last evaluated: 2023-06-06. Review status: criteria provided, single submitter. Criteria: Invitae Variant Classification Sherloc (09022015). Collection method: clinical testing. Allele origin: germline.
Comment: In summary, the available evidence is currently insufficient to determine the role of this variant in disease. Therefore, it has been classified as a Variant of Uncertain Significance. This sequence change replaces valine, which is neutral and non-polar, with leucine, which is neutral and non-polar, at codon 352 of the BARD1 protein (p.Val352Leu). Information on the frequency of this variant in the gnomAD database is not available, as this variant may be reported differently in the database. This variant has not been reported in the literature in individuals affected with BARD1-related conditions. Experimental studies and prediction algorithms are not available or were not evaluated, and the functional significance of this variant is currently unknown.